The following is an entry in ClinVar:

ClinVar aggregate classification (germline): Uncertain significance (1 of 4 stars; one submission).

gnomAD v4.1: 2 of 1,610,448 alleles (0.00012%); highest among the groups gnomAD compares: African/African-American, 0.0013%; no homozygotes.

Submission:

Labcorp Genetics (formerly Invitae), Labcorp
Classification: Uncertain significance. Last evaluated: 2022-05-07. Review status: criteria provided, single submitter. Criteria: Invitae Variant Classification Sherloc (09022015). Collection method: clinical testing. Allele origin: germline.
Comment: In summary, the available evidence is currently insufficient to determine the role of this variant in disease. Therefore, it has been classified as a Variant of Uncertain Significance. Advanced modeling of protein sequence and biophysical properties (such as structural, functional, and spatial information, amino acid conservation, physicochemical variation, residue mobility, and thermodynamic stability) performed at Invitae indicates that this missense variant is not expected to disrupt MYO7A protein function. This variant has not been reported in the literature in individuals affected with MYO7A-related conditions. This variant is not present in population databases (gnomAD no frequency). This sequence change replaces asparagine, which is neutral and polar, with lysine, which is basic and polar, at codon 52 of the MYO7A protein (p.Asn52Lys).

NM_000260.4(MYO7A):c.156C>A (p.Asn52Lys)

Gene: MYO7A (myosin VIIA; plus strand). Cytogenetic location: 11q13.5.
Variant type: single nucleotide variant.
Coding change: c.156C>A on transcript NM_000260.4 (MANE Select); coding-DNA position 156, C replaced by A.
Protein change: p.Asn52Lys; replaces asparagine 52 with lysine.
Molecular consequence: missense variant.
Genome position (GRCh38, 1-based): chr11:77,147,821, C>A. VCF-style: chr11-77147821-C-A. GRCh37 (hg19) VCF-style: chr11-76858867-C-A.
Other names: c.156C>A, p.Asn52Lys (NM_001127180.2); c.123C>A, p.Asn41Lys (NM_001369365.1); short protein forms N41K, N52K.
Identifiers: ClinVar variation 1962743 (VCV001962743.5), dbSNP rs886048669, ClinGen allele CA381928672.
Genomic context (GRCh38, chr11:77,147,821, plus strand): 5'-CCCCAGGAGAGCACGCTGACGTTCTGGCTCCCCGCAGGAACACTGGATCTCTCCGCAGAA[C>A]GCAACGCACATCAAGCCTATGCACCCCACGTCGGTCCACGGCGTGGAGGACATGATCCGC-3'
Protein context (NP_000251.3, residues 42-62): EDNEHWISPQ[Asn52Lys]ATHIKPMHPT